The following is an entry in ClinVar:

NM_031220.4(PITPNM3):c.*3734G>A

Gene: PITPNM3 (PITPNM family member 3; minus strand). Cytogenetic location: 17p13.2.
Variant type: single nucleotide variant.
Coding change: c.*3734G>A on transcript NM_031220.4 (MANE Select); 3734 bases downstream of the stop codon, G replaced by A.
Molecular consequence: 3 prime UTR variant.
Genome position (GRCh38, 1-based): chr17:6,451,604, C>T on the plus strand (G>A on the coding strand, the complement: PITPNM3 is on the minus strand). VCF-style: chr17-6451604-C-T. GRCh37 (hg19) VCF-style: chr17-6354924-C-T.
Other names: c.*3734G>A (NM_001165966.2).
Identifiers: ClinVar variation 890892 (VCV000890892.4), dbSNP rs145961702, ClinGen allele CA287339280.

ClinVar aggregate classification (germline): Benign (1 of 4 stars; one submission).

Conditions:
Cone-rod dystrophy 5 (CORD5). Identifiers: Orphanet 1872, MedGen C1832976, MONDO:0010969, OMIM 600977.

Allele frequency attached by ClinVar (database versions not stated): TOPMed 0.00028; 1000 Genomes Project 30x 0.00047; 1000 Genomes Project 0.00060.

Submission:

Illumina Laboratory Services, Illumina
Classification: Benign for Cone-rod dystrophy 5. Last evaluated: 2018-01-12. Review status: criteria provided, single submitter. Criteria: ICSL Variant Classification Criteria 13 December 2019. Collection method: clinical testing. Allele origin: germline.
Comment: This variant was observed in the ICSL laboratory as part of a predisposition screen in an ostensibly healthy population. It had not been previously curated by ICSL or reported in the Human Gene Mutation Database (HGMD: prior to June 1st, 2018), and was therefore a candidate for classification through an automated scoring system. Utilizing variant allele frequency, disease prevalence and penetrance estimates, and inheritance mode, an automated score was calculated to assess if this variant is too frequent to cause the disease. Based on the score and internal cut-off values, a variant classified as benign is not then subjected to further curation. The score for this variant resulted in a classification of benign for this disease.